The following is an entry in ClinVar:

ClinVar aggregate classification (germline): Uncertain significance (1 of 4 stars; one submission).

Allele frequency attached by ClinVar (database versions not stated): gnomAD exomes below 0.00001.
gnomAD v4.1: 4 of 1,613,924 alleles (0.00025%); highest among the groups gnomAD compares: Admixed American, 0.0017%; no homozygotes.

Submission:

Labcorp Genetics (formerly Invitae), Labcorp
Classification: Uncertain significance. Last evaluated: 2024-05-15. Review status: criteria provided, single submitter. Criteria: Invitae Variant Classification Sherloc (09022015). Collection method: clinical testing. Allele origin: germline.
Comment: This sequence change replaces tyrosine, which is neutral and polar, with histidine, which is basic and polar, at codon 550 of the CAD protein (p.Tyr550His). This variant is present in population databases (no rsID available, gnomAD 0.003%). This variant has not been reported in the literature in individuals affected with CAD-related conditions. ClinVar contains an entry for this variant (Variation ID: 2130396). Advanced modeling of protein sequence and biophysical properties (such as structural, functional, and spatial information, amino acid conservation, physicochemical variation, residue mobility, and thermodynamic stability) performed at Invitae indicates that this missense variant is expected to disrupt CAD protein function with a positive predictive value of 80%. In summary, the available evidence is currently insufficient to determine the role of this variant in disease. Therefore, it has been classified as a Variant of Uncertain Significance.

NM_004341.5(CAD):c.1648T>C (p.Tyr550His)

Gene: CAD (carbamoyl-phosphate synthetase 2, aspartate transcarbamylase, and dihydroorotase; plus strand). Cytogenetic location: 2p23.3.
Variant type: single nucleotide variant.
Coding change: c.1648T>C on transcript NM_004341.5 (MANE Select); coding-DNA position 1648, T replaced by C.
Protein change: p.Tyr550His; replaces tyrosine 550 with histidine.
Molecular consequence: missense variant.
Genome position (GRCh38, 1-based): chr2:27,225,732, T>C. VCF-style: chr2-27225732-T-C. GRCh37 (hg19) VCF-style: chr2-27448600-T-C.
Other names: c.1648T>C, p.Tyr550His (NM_001306079.2); short protein forms Y550H.
Identifiers: ClinVar variation 2130396 (VCV002130396.3), dbSNP rs762543239, ClinGen allele CA346206003.
Genomic context (GRCh38, chr2:27,225,732, plus strand): 5'-AACCTGTTTGTTCATCTCTTCCACTCATTGCAGGCCCAGGCAGCCGCTGAACGGCTGGGG[T>C]ACCCTGTGCTAGTGCGTGCAGCCTTTGCCCTGGGTGGCCTGGGCTCTGGCTTTGCCTCTA-3'
Protein context (NP_004332.2, residues 540-560): QAQAAAERLG[Tyr550His]PVLVRAAFAL